The following is an entry in ClinVar:

NM_004380.3(CREBBP):c.4818G>C (p.Lys1606Asn)

Gene: CREBBP (CREB binding protein; minus strand). Cytogenetic location: 16p13.3.
Variant type: single nucleotide variant.
Coding change: c.4818G>C on transcript NM_004380.3 (MANE Select); coding-DNA position 4818, G replaced by C.
Protein change: p.Lys1606Asn; replaces lysine 1606 with asparagine.
Molecular consequence: missense variant.
Genome position (GRCh38, 1-based): chr16:3,731,848, C>G on the plus strand (G>C on the coding strand, the complement: CREBBP is on the minus strand). VCF-style: chr16-3731848-C-G. GRCh37 (hg19) VCF-style: chr16-3781849-C-G.
Other names: c.4704G>C, p.Lys1568Asn (NM_001079846.1); short protein forms K1568N, K1606N.
Identifiers: ClinVar variation 3381273 (VCV003381273.1).

ClinVar aggregate classification (germline): Uncertain significance (1 of 4 stars; one submission).

Submission:

GeneDx
Classification: Uncertain significance. Last evaluated: 2024-05-22. Review status: criteria provided, single submitter. Criteria: GeneDx Variant Classification Process June 2021. Collection method: clinical testing. Allele origin: germline. Affected: yes.
Comment: Not observed at significant frequency in large population cohorts (gnomAD); In silico analysis supports that this missense variant has a deleterious effect on protein structure/function; Has not been previously published as pathogenic or benign to our knowledge; This variant is associated with the following publications: (PMID: 12070251)